The following is an entry in ClinVar:

ClinVar aggregate classification (germline): Pathogenic. Review status: reviewed by expert panel (3 of 4 stars). 4 submissions from 4 submitters: Pathogenic (1). 3 of the submissions do not count toward it. Last evaluated 2016-10-18.

Conditions:
Hereditary breast ovarian cancer syndrome. Also called: Hereditary breast and ovarian cancer; Hereditary breast and ovarian cancer syndrome (HBOC); Hereditary breast and/or ovarian cancer syndrome; Breast and ovarian cancer; Hereditary breast and ovarian cancer syndrome; BRCA1- and BRCA2-Associated Hereditary Breast and Ovarian Cancer. Identifiers: Orphanet 145, MedGen C0677776, MeSH D061325, MONDO:0003582. Disease mechanism: loss of function.
Ovarian neoplasm. Also called: Ovarian tumor; Neoplasm of ovary; Ovarian Neoplasms. Identifiers: MedGen C0919267, MeSH D010051, MONDO:0021068, HP:0100615.
Breast-ovarian cancer, familial, susceptibility to, 2 (BROVCA2). Also called: BRCA2 Hereditary Breast and Ovarian Cancer. Identifiers: Orphanet 145, MedGen C2675520, MONDO:0012933, OMIM 612555. Disease mechanism: loss of function.

Submissions (4):

Evidence-based Network for the Interpretation of Germline Mutant Alleles (ENIGMA)
Classification: Pathogenic for Breast-ovarian cancer, familial, susceptibility to, 2. Last evaluated: 2016-10-18. Review status: reviewed by expert panel. Criteria: ENIGMA BRCA1/2 Classification Criteria (2015). Collection method: curation. Allele origin: germline.
Comment: Variant allele predicted to encode a truncated non-functional protein.

Labcorp Genetics (formerly Invitae), Labcorp
Classification: Pathogenic for Hereditary breast ovarian cancer syndrome. Last evaluated: 2022-05-04. Review status: criteria provided, single submitter. Criteria: Invitae Variant Classification Sherloc (09022015). Collection method: clinical testing. Allele origin: germline. Not counted in ClinVar's aggregate classification.
Comment: This variant has not been reported in the literature in individuals affected with BRCA2-related conditions. ClinVar contains an entry for this variant (Variation ID: 266696). For these reasons, this variant has been classified as Pathogenic. This variant is not present in population databases (gnomAD no frequency). This sequence change creates a premature translational stop signal (p.Asn801*) in the BRCA2 gene. It is expected to result in an absent or disrupted protein product. Loss-of-function variants in BRCA2 are known to be pathogenic (PMID: 20104584).

Consortium of Investigators of Modifiers of BRCA1/2 (CIMBA), c/o University of Cambridge
Classification: Pathogenic for Breast-ovarian cancer, familial, susceptibility to, 2. Last evaluated: 2015-10-02. Review status: criteria provided, single submitter. Criteria: CIMBA Mutation Classification guidelines May 2016. Collection method: clinical testing. Allele origin: germline. Not counted in ClinVar's aggregate classification.

German Consortium for Hereditary Breast and Ovarian Cancer, University Hospital Cologne
Classification: Pathogenic for Ovarian neoplasm. Last evaluated: 2018-12-01. Review status: no assertion criteria provided. Collection method: research. Allele origin: germline. Affected: yes. Not counted in ClinVar's aggregate classification.

Literature cited by the submitters: PubMed 20104584 (cited by Labcorp Genetics (formerly Invitae), Labcorp).

NM_000059.4(BRCA2):c.2399dup (p.Gly800_Asn801insTer)

Gene: BRCA2 (BRCA2 DNA repair associated; plus strand). Cytogenetic location: 13q13.1.
Variant type: Duplication.
Coding change: c.2399dup on transcript NM_000059.4 (MANE Select); coding-DNA position 2399, one base duplicated (G; older notation c.2399dupG).
Protein change: p.Gly800_Asn801insTer.
Molecular consequence: frameshift variant.
Genome position (GRCh38, 1-based): chr13:32,336,754, G duplicated; the last of 2 consecutive G bases (chr13:32,336,753-32,336,754); duplicating either gives the same sequence. VCF-style (leftmost placement, unchanged base first): chr13-32336752-A-AG. GRCh37 (hg19) VCF-style: chr13-32910889-A-AG.
Other names: 2627dupG.
Identifiers: ClinVar variation 266696 (VCV000266696.10), dbSNP rs886040423, ClinGen allele CA10589152.